The following is an entry in ClinVar:

NM_001040108.2(MLH3):c.2167G>T (p.Val723Phe)

Gene: MLH3 (mutL homolog 3; minus strand). Cytogenetic location: 14q24.3.
Variant type: single nucleotide variant.
Coding change: c.2167G>T on transcript NM_001040108.2 (MANE Select); coding-DNA position 2167, G replaced by T.
Protein change: p.Val723Phe; replaces valine 723 with phenylalanine.
Molecular consequence: missense variant.
Genome position (GRCh38, 1-based): chr14:75,047,489, C>A on the plus strand (G>T on the coding strand, the complement: MLH3 is on the minus strand). VCF-style: chr14-75047489-C-A. GRCh37 (hg19) VCF-style: chr14-75514192-C-A.
Other names: c.2167G>T, p.Val723Phe (NM_014381.3); short protein forms V723F.
Identifiers: ClinVar variation 1787007 (VCV001787007.3), dbSNP rs28756989, ClinGen allele CA390441358.

ClinVar aggregate classification (germline): Uncertain significance (1 of 4 stars; one submission).

Submission:

Ambry Genetics
Classification: Uncertain significance. Last evaluated: 2024-05-31. Review status: criteria provided, single submitter. Criteria: Ambry Variant Classification Scheme 2023. Collection method: clinical testing. Allele origin: germline.
Comment: The p.V723F variant (also known as c.2167G>T), located in coding exon 1 of the MLH3 gene, results from a G to T substitution at nucleotide position 2167. The valine at codon 723 is replaced by phenylalanine, an amino acid with highly similar properties. This amino acid position is conserved. In addition, this alteration is predicted to be tolerated by in silico analysis. Since supporting evidence is limited at this time, the clinical significance of this alteration remains unclear.